The following is an entry in ClinVar:

ClinVar aggregate classification (germline): Likely pathogenic (1 of 4 stars; one submission).

Conditions:
Charlevoix-Saguenay spastic ataxia (SACS). Also called: AUTOSOMAL RECESSIVE SPASTIC ATAXIA OF CHARLEVOIX-SAGUENAY; Spastic ataxia of Charlevoix-Saguenay; SPASTIC ATAXIA 6, AUTOSOMAL RECESSIVE. Identifiers: Orphanet 98, MedGen C1849140, MONDO:0010041, OMIM 270550.

Submission:

Natera, Inc.
Classification: Likely pathogenic for Charlevoix-Saguenay type spastic ataxia. Last evaluated: 2024-09-27. Review status: criteria provided, single submitter. Criteria: Natera Variant Classification Schema (03/2026). Collection method: clinical testing. Allele origin: germline.
Comment: The c.5293G>T variant in SACS is a nonsense variant predicted to introduce a stop codon at amino acid 1765. This variant is expected to result in nonsense mediated decay, truncation, or a dysfunctional protein product. This variant is rare in the general population with a frequency below the threshold expected for the associated phenotype(s). Given the available evidence, this variant is classified as Likely Pathogenic.

NM_014363.6(SACS):c.5293G>T (p.Glu1765Ter)

Gene: SACS (sacsin molecular chaperone; minus strand). Cytogenetic location: 13q12.12.
Variant type: single nucleotide variant.
Coding change: c.5293G>T on transcript NM_014363.6 (MANE Select); coding-DNA position 5293, G replaced by T.
Protein change: p.Glu1765Ter; replaces glutamic acid 1765 with a stop codon.
Molecular consequence: nonsense.
Genome position (GRCh38, 1-based): chr13:23,338,583, C>A on the plus strand (G>T on the coding strand, the complement: SACS is on the minus strand). VCF-style: chr13-23338583-C-A. GRCh37 (hg19) VCF-style: chr13-23912722-C-A.
Other names: c.4852G>T, p.Glu1618Ter (NM_001278055.2); c.5320G>T, p.Glu1774Ter (NM_001437336.1); short protein forms E1618*, E1765*, E1774*.
Identifiers: ClinVar variation 4815700 (VCV004815700.1).